The following is an entry in ClinVar:

NM_004655.4(AXIN2):c.2265T>C (p.Gly755=)

Gene: AXIN2 (axin 2; minus strand). Cytogenetic location: 17q24.1.
Variant type: single nucleotide variant.
Coding change: c.2265T>C on transcript NM_004655.4 (MANE Select); coding-DNA position 2265, T replaced by C.
Protein change: p.Gly755=; no amino-acid change (glycine 755 retained).
Molecular consequence: synonymous variant.
Genome position (GRCh38, 1-based): chr17:65,534,052, A>G on the plus strand (T>C on the coding strand, the complement: AXIN2 is on the minus strand). VCF-style: chr17-65534052-A-G. GRCh37 (hg19) VCF-style: chr17-63530170-A-G.
Other names: c.2070T>C, p.Gly690= (NM_001363813.1).
Identifiers: ClinVar variation 3378970 (VCV003378970.1).

ClinVar aggregate classification (germline): Benign (1 of 4 stars; one submission).

Conditions:
Oligodontia-cancer predisposition syndrome. Also called: TOOTH AGENESIS-COLORECTAL CANCER SYNDROME. Identifiers: Orphanet 300576, MedGen C1837750, MONDO:0012075, OMIM 608615. Disease mechanism: loss of function.

gnomAD v4.1: 1 of 1,614,112 alleles (0.000062%); no homozygotes.

Submission:

Myriad Genetics, Inc.
Classification: Benign for Oligodontia-cancer predisposition syndrome. Last evaluated: 2024-07-10. Review status: criteria provided, single submitter. Criteria: Myriad Autosomal Dominant, Autosomal Recessive and X-Linked Classification Criteria (2023). Collection method: clinical testing. Allele origin: unknown.
Comment: This variant is considered benign. This variant is a silent/synonymous amino acid change and it is not expected to impact splicing.